The following is an entry in ClinVar:

ClinVar aggregate classification (germline): Uncertain significance (1 of 4 stars; one submission).

Conditions:
Fanconi anemia complementation group E (FANCE). Also called: FANCE-Related Fanconi Anemia. Identifiers: Orphanet 84, MedGen C3160739, MONDO:0010953, OMIM 600901.

gnomAD v4.1: 3 of 1,613,904 alleles (0.00019%); highest among the groups gnomAD compares: Admixed American, 0.0033%; no homozygotes.

Submission:

Labcorp Genetics (formerly Invitae), Labcorp
Classification: Uncertain significance for Fanconi anemia complementation group E. Last evaluated: 2025-12-19. Review status: criteria provided, single submitter. Criteria: Invitae Variant Classification Sherloc (09022015). Collection method: clinical testing. Allele origin: germline.
Comment: This sequence change replaces threonine, which is neutral and polar, with isoleucine, which is neutral and non-polar, at codon 297 of the FANCE protein (p.Thr297Ile). This variant is present in population databases (no rsID available, gnomAD 0.009%). This variant has not been reported in the literature in individuals affected with FANCE-related conditions. Invitae Evidence Modeling of protein sequence and biophysical properties (such as structural, functional, and spatial information, amino acid conservation, physicochemical variation, residue mobility, and thermodynamic stability) indicates that this missense variant is not expected to disrupt FANCE protein function with a negative predictive value of 80%. In summary, the available evidence is currently insufficient to determine the role of this variant in disease. Therefore, it has been classified as a Variant of Uncertain Significance.

NM_021922.3(FANCE):c.890C>T (p.Thr297Ile)

Gene: FANCE (FA complementation group E; plus strand). Cytogenetic location: 6p21.31.
Variant type: single nucleotide variant.
Coding change: c.890C>T on transcript NM_021922.3 (MANE Select); coding-DNA position 890, C replaced by T.
Protein change: p.Thr297Ile; replaces threonine 297 with isoleucine.
Molecular consequence: missense variant.
Genome position (GRCh38, 1-based): chr6:35,457,590, C>T. VCF-style: chr6-35457590-C-T. GRCh37 (hg19) VCF-style: chr6-35425367-C-T.
Other names: c.890C>T, p.Thr297Ile (NM_001410876.1); short protein forms T297I.
Identifiers: ClinVar variation 4806879 (VCV004806879.1).